The following is an entry in ClinVar:

NM_000523.4(HOXD13):c.884A>G (p.Tyr295Cys)

Gene: HOXD13 (homeobox D13; plus strand). Cytogenetic location: 2q31.1.
Variant type: single nucleotide variant.
Coding change: c.884A>G on transcript NM_000523.4 (MANE Select); coding-DNA position 884, A replaced by G.
Protein change: p.Tyr295Cys; replaces tyrosine 295 with cysteine.
Molecular consequence: missense variant.
Genome position (GRCh38, 1-based): chr2:176,094,582, A>G. VCF-style: chr2-176094582-A-G. GRCh37 (hg19) VCF-style: chr2-176959310-A-G.
Other names: short protein forms Y295C.
Identifiers: ClinVar variation 2804210 (VCV002804210.3), dbSNP rs2468155815, ClinGen allele CA349353726.
Genomic context (GRCh38, chr2:176,094,582, plus strand): 5'-GAGGGAGGAAGAAGAGAGTGCCTTACACCAAACTGCAGCTTAAAGAACTGGAGAACGAGT[A>G]TGCCATTAACAAATTCATTAACAAGGACAAGCGGCGGCGTATCTCGGCTGCTACGAACCT-3'
Protein context (NP_000514.2, residues 285-305): KLQLKELENE[Tyr295Cys]AINKFINKDK

ClinVar aggregate classification (germline): Uncertain significance (1 of 4 stars; one submission).

Submission:

Labcorp Genetics (formerly Invitae), Labcorp
Classification: Uncertain significance. Last evaluated: 2023-01-26. Review status: criteria provided, single submitter. Criteria: Invitae Variant Classification Sherloc (09022015). Collection method: clinical testing. Allele origin: germline.
Comment: This variant is not present in population databases (gnomAD no frequency). This sequence change replaces tyrosine, which is neutral and polar, with cysteine, which is neutral and slightly polar, at codon 295 of the HOXD13 protein (p.Tyr295Cys). This variant has not been reported in the literature in individuals affected with HOXD13-related conditions. In summary, the available evidence is currently insufficient to determine the role of this variant in disease. Therefore, it has been classified as a Variant of Uncertain Significance. Advanced modeling of protein sequence and biophysical properties (such as structural, functional, and spatial information, amino acid conservation, physicochemical variation, residue mobility, and thermodynamic stability) performed at Invitae indicates that this missense variant is expected to disrupt HOXD13 protein function.